The following is an entry in ClinVar:

ClinVar aggregate classification (germline): Uncertain significance (1 of 4 stars; one submission).

Submission:

Labcorp Genetics (formerly Invitae), Labcorp
Classification: Uncertain significance. Last evaluated: 2025-10-14. Review status: criteria provided, single submitter. Criteria: Invitae Variant Classification Sherloc (09022015). Collection method: clinical testing. Allele origin: germline.
Comment: This sequence change replaces glutamic acid, which is acidic and polar, with glutamine, which is neutral and polar, at codon 219 of the GUCY2C protein (p.Glu219Gln). This variant is not present in population databases (gnomAD no frequency). This variant has not been reported in the literature in individuals affected with GUCY2C-related conditions. Invitae Evidence Modeling of protein sequence and biophysical properties (such as structural, functional, and spatial information, amino acid conservation, physicochemical variation, residue mobility, and thermodynamic stability) indicates that this missense variant is not expected to disrupt GUCY2C protein function with a negative predictive value of 80%. In summary, the available evidence is currently insufficient to determine the role of this variant in disease. Therefore, it has been classified as a Variant of Uncertain Significance.

NM_004963.4(GUCY2C):c.655G>C (p.Glu219Gln)

Genes: GUCY2C (guanylate cyclase 2C; minus strand), GUCY2C-AS1 (GUCY2C antisense RNA 1; plus strand). Cytogenetic location: 12p12.3.
Variant type: single nucleotide variant.
Coding change: c.655G>C on transcript NM_004963.4 (MANE Select); coding-DNA position 655, G replaced by C.
Protein change: p.Glu219Gln; replaces glutamic acid 219 with glutamine.
Molecular consequence: missense variant.
Genome position (GRCh38, 1-based): chr12:14,681,434, C>G on the plus strand (G>C on the coding strand, the complement: GUCY2C is on the minus strand). VCF-style: chr12-14681434-C-G. GRCh37 (hg19) VCF-style: chr12-14834368-C-G.
Other names: short protein forms E219Q.
Identifiers: ClinVar variation 4740688 (VCV004740688.1).